The following is an entry in ClinVar:

ClinVar aggregate classification (germline): Uncertain significance (1 of 4 stars; one submission).

Conditions:
Loeys-Dietz syndrome 2 (LDS2). Also called: Marfan syndrome, type 2 (formerly); AORTIC ANEURYSM, FAMILIAL THORACIC 3; MARFAN SYNDROME, TYPE II; TGFBR2-Related Loeys-Dietz Syndrome; Marfan Syndrome type 2; Marfan like connective tissue disorder. Identifiers: Orphanet 284973, Orphanet 558, MedGen C2674574, MONDO:0012427, OMIM 610168.

Submission:

Labcorp Genetics (formerly Invitae), Labcorp
Classification: Uncertain significance for Loeys-Dietz syndrome 2. Last evaluated: 2025-09-08. Review status: criteria provided, single submitter. Criteria: Invitae Variant Classification Sherloc (09022015). Collection method: clinical testing. Allele origin: germline.
Comment: This sequence change replaces histidine, which is basic and polar, with arginine, which is basic and polar, at codon 694 of the TMPO protein (p.His694Arg). This variant is present in population databases (rs746307875, gnomAD 0.003%). This variant has not been reported in the literature in individuals affected with TMPO-related conditions. An algorithm developed to predict the effect of missense changes on protein structure and function outputs the following: PolyPhen-2: "Benign". The arginine amino acid residue is found in multiple mammalian species, which suggests that this missense change does not adversely affect protein function. In summary, the available evidence is currently insufficient to determine the role of this variant in disease. Therefore, it has been classified as a Variant of Uncertain Significance.

NM_001032283.3(TMPO):c.565+2500A>G

Gene: TMPO (thymopoietin; plus strand). Cytogenetic location: 12q23.1.
Variant type: single nucleotide variant.
Coding change: c.565+2500A>G on transcript NM_001032283.3 (MANE Select); 2500 bases into the intron after coding-DNA position 565, A replaced by G.
Molecular consequence: intron variant. On other transcripts: missense variant (1).
Genome position (GRCh38, 1-based): chr12:98,534,338, A>G. VCF-style: chr12-98534338-A-G. GRCh37 (hg19) VCF-style: chr12-98928116-A-G.
Other names: c.2081A>G, p.His694Arg (NM_003276.2); c.565+2500A>G (NM_001307975.2, NM_001032284.3); short protein forms H694R.
Identifiers: ClinVar variation 4703283 (VCV004703283.1).